The following is an entry in ClinVar:

NM_014855.3(AP5Z1):c.1954G>T (p.Glu652Ter)

Gene: AP5Z1 (adaptor related protein complex 5 subunit zeta 1; plus strand). Cytogenetic location: 7p22.1.
Variant type: single nucleotide variant.
Coding change: c.1954G>T on transcript NM_014855.3 (MANE Select); coding-DNA position 1954, G replaced by T.
Protein change: p.Glu652Ter; replaces glutamic acid 652 with a stop codon.
Molecular consequence: nonsense. On other transcripts: non-coding transcript variant (1).
Genome position (GRCh38, 1-based): chr7:4,790,688, G>T. VCF-style: chr7-4790688-G-T. GRCh37 (hg19) VCF-style: chr7-4830319-G-T.
Other names: c.1486G>T, p.Glu496Ter (NM_001364858.1); short protein forms E496*, E652*.
Identifiers: ClinVar variation 2862357 (VCV002862357.4), dbSNP rs760734290, ClinGen allele CA4138236.

ClinVar aggregate classification (germline): Pathogenic/Likely pathogenic. Review status: criteria provided, multiple submitters, no conflicts (2 of 4 stars). 2 submissions from 2 submitters: Pathogenic (1); Likely pathogenic (1). Last evaluated 2025-06-01.

Conditions:
Hereditary spastic paraplegia 48. Also called: Spastic paraplegia 48; SPASTIC PARAPLEGIA 48, AUTOSOMAL RECESSIVE. Identifiers: Orphanet 306511, MedGen C3150901, MONDO:0013342, OMIM 613647.
AP5Z1-related disorder. Also called: AP5Z1-related condition.

Allele frequency attached by ClinVar (database versions not stated): gnomAD 0.00004.
gnomAD v4.1: 53 of 1,611,786 alleles (0.0033%); highest among the groups gnomAD compares: Non-Finnish European, 0.0042%; no homozygotes.

Submissions (2):

Labcorp Genetics (formerly Invitae), Labcorp
Classification: Pathogenic for Hereditary spastic paraplegia 48. Last evaluated: 2025-06-01. Review status: criteria provided, single submitter. Criteria: Invitae Variant Classification Sherloc (09022015). Collection method: clinical testing. Allele origin: germline.
Comment: This sequence change creates a premature translational stop signal (p.Glu652*) in the AP5Z1 gene. It is expected to result in an absent or disrupted protein product. Loss-of-function variants in AP5Z1 are known to be pathogenic (PMID: 20613862, 27606357). This variant is present in population databases (rs760734290, gnomAD 0.002%). This variant has not been reported in the literature in individuals affected with AP5Z1-related conditions. ClinVar contains an entry for this variant (Variation ID: 2862357). For these reasons, this variant has been classified as Pathogenic.

Blueprint Genetics
Classification: Likely pathogenic for AP5Z1-related disorders. Last evaluated: 2024-08-15. Review status: criteria provided, single submitter. Criteria: ACMG Guidelines, 2015. Collection method: clinical testing. Allele origin: germline. Affected: yes. Observed: 5 variant alleles.

Literature cited by the submitters: PubMed 20613862 (cited by Labcorp Genetics (formerly Invitae), Labcorp); PubMed 27606357 (cited by Labcorp Genetics (formerly Invitae), Labcorp).